The following is an entry in ClinVar:

ClinVar aggregate classification (germline): Likely benign. Review status: criteria provided, multiple submitters, no conflicts (2 of 4 stars). 2 submissions from 2 submitters: Likely benign (2). Last evaluated 2025-07-06.

Allele frequency attached by ClinVar (database versions not stated): gnomAD 0.00001 and 0.00003; TOPMed 0.00001.
gnomAD v4.1: 66 of 1,613,864 alleles (0.0041%); highest among the groups gnomAD compares: South Asian, 0.044%; 1 homozygote.

Submissions (2):

Labcorp Genetics (formerly Invitae), Labcorp
Classification: Likely benign. Last evaluated: 2025-07-06. Review status: criteria provided, single submitter. Criteria: Invitae Variant Classification Sherloc (09022015). Collection method: clinical testing. Allele origin: germline.

CeGaT Center for Human Genetics Tuebingen
Classification: Likely benign. Last evaluated: 2023-03-01. Review status: criteria provided, single submitter. Criteria: CeGaT Center For Human Genetics Tuebingen Variant Classification Criteria Version 2. Collection method: clinical testing. Allele origin: germline. Affected: yes. Observed: 1 variant allele.
Comment: NDUFA10: BP4, BP7

NM_004544.4(NDUFA10):c.834C>T (p.Phe278=)

Gene: NDUFA10 (NADH:ubiquinone oxidoreductase subunit A10; minus strand). Cytogenetic location: 2q37.3.
Variant type: single nucleotide variant.
Coding change: c.834C>T on transcript NM_004544.4 (MANE Select); coding-DNA position 834, C replaced by T.
Protein change: p.Phe278=; no amino-acid change (phenylalanine 278 retained).
Molecular consequence: synonymous variant. On other transcripts: non-coding transcript variant (4).
Genome position (GRCh38, 1-based): chr2:240,005,266, G>A on the plus strand (C>T on the coding strand, the complement: NDUFA10 is on the minus strand). VCF-style: chr2-240005266-G-A. GRCh37 (hg19) VCF-style: chr2-240944683-G-A.
Other names: c.834C>T, p.Phe278= (NM_001322019.2, NM_001322020.2).
Identifiers: ClinVar variation 1675848 (VCV001675848.35), dbSNP rs779305936, ClinGen allele CA2200835.